The following is an entry in ClinVar:

NM_000166.6(GJB1):c.44G>C (p.Arg15Pro)

Gene: GJB1 (gap junction protein beta 1; plus strand). Cytogenetic location: Xq13.1.
Variant type: single nucleotide variant.
Coding change: c.44G>C on transcript NM_000166.6 (MANE Select); coding-DNA position 44, G replaced by C.
Protein change: p.Arg15Pro; replaces arginine 15 with proline.
Molecular consequence: missense variant.
Genome position (GRCh38, 1-based): chrX:71,223,751, G>C. VCF-style: chrX-71223751-G-C. GRCh37 (hg19) VCF-style: chrX-70443601-G-C.
Other names: c.44G>C, p.Arg15Pro (NM_001097642.3); c.44G>C (NM_000166.5); short protein forms R15P.
Identifiers: ClinVar variation 1709368 (VCV001709368.3), dbSNP rs863224974, ClinGen allele CA413499524.

ClinVar aggregate classification (germline): Likely pathogenic. Review status: criteria provided, multiple submitters, no conflicts (2 of 4 stars). 2 submissions from 2 submitters: Likely pathogenic (2). Last evaluated 2022-07-12.

Conditions:
Charcot-Marie-Tooth disease X-linked dominant 1. Also called: X-linked Charcot-Marie-Tooth disease type 1; GJB1 Disorders: Charcot-Marie-Tooth Neuropathy (CMT1X) and Central Nervous System Phenotypes; HEREDITARY MOTOR AND SENSORY NEUROPATHY, X-LINKED; HMSN, X-LINKED; CHARCOT-MARIE-TOOTH NEUROPATHY, X-LINKED, 1; CHARCOT-MARIE-TOOTH PERONEAL MUSCULAR ATROPHY, X-LINKED. Identifiers: Orphanet 101075, MedGen C0393808, MONDO:0010549, OMIM 302800.

Submissions (2):

MGZ Medical Genetics Center
Classification: Likely pathogenic for Charcot-Marie-Tooth disease X-linked dominant 1. Last evaluated: 2022-07-12. Review status: criteria provided, single submitter. Criteria: ACMG Guidelines, 2015. Collection method: clinical testing. Allele origin: germline. Affected: yes. Observed: 1 variant allele.
Comment: ACMG criteria applied: PM1, PM5, PM2_SUP, PP2, PP3

Athena Diagnostics
Classification: Likely pathogenic. Last evaluated: 2022-04-15. Review status: criteria provided, single submitter. Criteria: Athena Diagnostics Criteria. Collection method: clinical testing. Allele origin: unknown.
Comment: This variant has not been reported in large, multi-ethnic general populations. This variant appears to segregate with disease in at least one family. At least one other missense variant at this codon is considered to be pathogenic or likely pathogenic, suggesting this variant may also cause disease. Computational tools predict that this variant is damaging.